The following is an entry in ClinVar:

NM_001372.4(DNAH9):c.10454G>A (p.Arg3485Gln)

Genes: DNAH9 (dynein axonemal heavy chain 9; plus strand), LOC101928350 (uncharacterized LOC101928350; minus strand). Cytogenetic location: 17p12.
Variant type: single nucleotide variant.
Coding change: c.10454G>A on transcript NM_001372.4 (MANE Select); coding-DNA position 10454, G replaced by A.
Protein change: p.Arg3485Gln; replaces arginine 3485 with glutamine.
Molecular consequence: missense variant.
Genome position (GRCh38, 1-based): chr17:11,875,160, G>A. VCF-style: chr17-11875160-G-A. GRCh37 (hg19) VCF-style: chr17-11778477-G-A.
Other names: c.10454G>A (NM_001372.3); short protein forms R3485Q.
Identifiers: ClinVar variation 2199332 (VCV002199332.3), dbSNP rs61749487, ClinGen allele CA8397512.
Genomic context (GRCh38, chr17:11,875,160, plus strand): 5'-TGGTTGACCCTCAGCTACAAGGCATCAAATGGATCAAGAATAAATATGGTGAAGATCTCC[G>A]GGTCACGCAGATTGGTCAGAAAGGGTAAGTGGTTGAGCACAGAAGTTCCCACTTTAGCCA-3'
Protein context (NP_001363.2, residues 3475-3495): WIKNKYGEDL[Arg3485Gln]VTQIGQKGYL

ClinVar aggregate classification (germline): Conflicting classifications of pathogenicity. Review status: criteria provided, conflicting classifications (1 of 4 stars). 2 submissions from 2 submitters: Uncertain significance (1); Likely benign (1). Last evaluated 2025-06-11.

Conditions:
Inborn genetic diseases. Identifiers: MedGen C0950123, MeSH D030342.

Allele frequency attached by ClinVar (database versions not stated): ExAC 0.00004; TOPMed 0.00008; gnomAD exomes 0.00005; gnomAD 0.00005.
gnomAD v4.1: 86 of 1,613,574 alleles (0.0053%); highest among the groups gnomAD compares: East Asian, 0.089%; no homozygotes.

Submissions (2):

Ambry Genetics
Classification: Likely benign for Inborn genetic diseases. Last evaluated: 2025-06-11. Review status: criteria provided, single submitter. Criteria: Ambry Variant Classification Scheme 2023. Collection method: clinical testing. Allele origin: germline.

Labcorp Genetics (formerly Invitae), Labcorp
Classification: Uncertain significance. Last evaluated: 2023-07-29. Review status: criteria provided, single submitter. Criteria: Invitae Variant Classification Sherloc (09022015). Collection method: clinical testing. Allele origin: germline.
Comment: ClinVar contains an entry for this variant (Variation ID: 2199332). In summary, the available evidence is currently insufficient to determine the role of this variant in disease. Therefore, it has been classified as a Variant of Uncertain Significance. Advanced modeling of protein sequence and biophysical properties (such as structural, functional, and spatial information, amino acid conservation, physicochemical variation, residue mobility, and thermodynamic stability) performed at Invitae indicates that this missense variant is not expected to disrupt DNAH9 protein function. This variant has not been reported in the literature in individuals affected with DNAH9-related conditions. This variant is present in population databases (rs61749487, gnomAD 0.1%). This sequence change replaces arginine, which is basic and polar, with glutamine, which is neutral and polar, at codon 3485 of the DNAH9 protein (p.Arg3485Gln).